The following is an entry in ClinVar:

NM_020812.4(DOCK6):c.48G>A (p.Thr16=)

Gene: DOCK6 (dedicator of cytokinesis 6; minus strand). Cytogenetic location: 19p13.2.
Variant type: single nucleotide variant.
Coding change: c.48G>A on transcript NM_020812.4 (MANE Select); coding-DNA position 48, G replaced by A.
Protein change: p.Thr16=; no amino-acid change (threonine 16 retained).
Molecular consequence: synonymous variant.
Genome position (GRCh38, 1-based): chr19:11,253,723, C>T on the plus strand (G>A on the coding strand, the complement: DOCK6 is on the minus strand). VCF-style: chr19-11253723-C-T. GRCh37 (hg19) VCF-style: chr19-11364399-C-T.
Other names: c.48G>A, p.Thr16= (NM_001367830.1).
Identifiers: ClinVar variation 4980766 (VCV004980766.1).

ClinVar aggregate classification (germline): Uncertain significance (1 of 4 stars; one submission).

Conditions:
DOCK6-related disorder. Also called: DOCK6-related condition.

gnomAD v4.1: 49 of 1,472,466 alleles (0.0033%); highest among the groups gnomAD compares: Middle Eastern, 0.07%; no homozygotes.

Submission:

PreventionGenetics, part of Exact Sciences
Classification: Uncertain significance for DOCK6-related condition. Last evaluated: 2025-04-21. Review status: criteria provided, single submitter. Criteria: ACMG Guidelines, 2015. Collection method: clinical testing. Allele origin: germline.
Comment: The DOCK6 c.48G>A variant is not predicted to result in an amino acid change (p.=). This variant is predicted to alter splicing based on available splicing prediction programs (SpliceAI, Jaganathan et al. 2019. PubMed ID: 30661751). To our knowledge, this variant has not been reported in the literature. This variant is reported in 0.025% of alleles in individuals of East Asian descent in gnomAD. At this time, the clinical significance of this variant is uncertain due to the absence of conclusive functional and genetic evidence.